The following is an entry in ClinVar:

NM_015450.3(POT1):c.1370-150A>G

Gene: POT1 (protection of telomeres 1; minus strand). Cytogenetic location: 7q31.33.
Variant type: single nucleotide variant.
Coding change: c.1370-150A>G on transcript NM_015450.3 (MANE Select); 150 bases into the intron before coding-DNA position 1370, A replaced by G.
Molecular consequence: intron variant.
Genome position (GRCh38, 1-based): chr7:124,835,564, T>C on the plus strand (A>G on the coding strand, the complement: POT1 is on the minus strand). VCF-style: chr7-124835564-T-C. GRCh37 (hg19) VCF-style: chr7-124475618-T-C.
Other names: c.977-150A>G (NM_001042594.2).
Identifiers: ClinVar variation 678416 (VCV000678416.1), dbSNP rs141885512, ClinGen allele CA166100870.

ClinVar aggregate classification (germline): Likely benign (1 of 4 stars; one submission).

Allele frequency attached by ClinVar (database versions not stated): gnomAD 0.00649 and 0.00701; TOPMed 0.00739; 1000 Genomes Project 0.00799; 1000 Genomes Project 30x 0.00812.
gnomAD v4.1: 1,583 of 870,022 alleles (0.18%); highest among the groups gnomAD compares: African/African-American, 2.2%; 18 homozygotes.

Submission:

GeneDx
Classification: Likely benign. Last evaluated: 2018-06-14. Review status: criteria provided, single submitter. Criteria: GeneDx Variant Classification (06012015). Collection method: clinical testing. Allele origin: germline. Affected: yes.
Comment: This variant is considered likely benign or benign based on one or more of the following criteria: it is a conservative change, it occurs at a poorly conserved position in the protein, it is predicted to be benign by multiple in silico algorithms, and/or has population frequency not consistent with disease.